The following is an entry in ClinVar:

ClinVar aggregate classification (germline): Likely benign (1 of 4 stars; one submission).

Submission:

GeneDx
Classification: Likely benign. Last evaluated: 2018-07-09. Review status: criteria provided, single submitter. Criteria: GeneDx Variant Classification Process June 2021. Collection method: clinical testing. Allele origin: germline. Affected: yes.
Comment: See Variant Classification Assertion Criteria.

NM_015268.4(DNAJC13):c.6060+103C>A

Gene: DNAJC13 (DnaJ heat shock protein family (Hsp40) member C13; plus strand). Cytogenetic location: 3q22.1.
Variant type: single nucleotide variant.
Coding change: c.6060+103C>A on transcript NM_015268.4 (MANE Select); 103 bases into the intron after coding-DNA position 6060, C replaced by A.
Molecular consequence: intron variant.
Genome position (GRCh38, 1-based): chr3:132,523,816, C>A. VCF-style: chr3-132523816-C-A. GRCh37 (hg19) VCF-style: chr3-132242660-C-A.
Other names: c.6075+103C>A (NM_001329126.2).
Identifiers: ClinVar variation 4795404 (VCV004795404.1).